The following is an entry in ClinVar:

ClinVar aggregate classification (germline): Benign/Likely benign. Review status: criteria provided, multiple submitters, no conflicts (2 of 4 stars). 3 submissions from 3 submitters: Benign (1); Likely benign (2). Last evaluated 2025-06-02.

Conditions:
Pheochromocytoma/paraganglioma syndrome 5. Also called: Paragangliomas 5; SDHA-Related Hereditary Paraganglioma-Pheochromocytoma Syndrome. Identifiers: Orphanet 29072, MedGen C3279992, MONDO:0013602, OMIM 614165.
Mitochondrial complex II deficiency, nuclear type 1. Also called: SUCCINATE CoQ REDUCTASE DEFICIENCY. Identifiers: Orphanet 3208, MedGen C5700310, MONDO:0100294, OMIM 252011.
Hereditary cancer-predisposing syndrome. Also called: Tumor predisposition; Hereditary neoplastic syndrome; Neoplastic Syndromes, Hereditary; Hereditary Cancer Syndrome. Identifiers: Orphanet 140162, MedGen C0027672, MeSH D009386, MONDO:0015356.

Submissions (3):

Labcorp Genetics (formerly Invitae), Labcorp
Classification: Likely benign for Pheochromocytoma/paraganglioma syndrome 5; Mitochondrial complex II deficiency, nuclear type 1. Last evaluated: 2025-06-02. Review status: criteria provided, single submitter. Criteria: Invitae Variant Classification Sherloc (09022015). Collection method: clinical testing. Allele origin: germline.

Myriad Genetics, Inc.
Classification: Benign for Pheochromocytoma/paraganglioma syndrome 5. Last evaluated: 2025-03-07. Review status: criteria provided, single submitter. Criteria: Myriad Autosomal Dominant, Autosomal Recessive and X-Linked Classification Criteria (2023). Collection method: clinical testing. Allele origin: unknown.
Comment: This variant is considered benign. This variant is a silent/synonymous amino acid change and it is not expected to impact splicing.

Ambry Genetics
Classification: Likely benign for Hereditary cancer-predisposing syndrome. Last evaluated: 2024-01-29. Review status: criteria provided, single submitter. Criteria: Ambry Variant Classification Scheme 2023. Collection method: clinical testing. Allele origin: germline.

NM_004168.4(SDHA):c.1092C>G (p.Val364=)

Gene: SDHA (succinate dehydrogenase complex flavoprotein subunit A; plus strand). Cytogenetic location: 5p15.33.
Variant type: single nucleotide variant.
Coding change: c.1092C>G on transcript NM_004168.4 (MANE Select); coding-DNA position 1092, C replaced by G.
Protein change: p.Val364=; no amino-acid change (valine 364 retained).
Molecular consequence: synonymous variant.
Genome position (GRCh38, 1-based): chr5:235,171, C>G. VCF-style: chr5-235171-C-G. GRCh37 (hg19) VCF-style: chr5-235286-C-G.
Other names: c.1092C>G (NM_004168.2); c.948C>G, p.Val316= (NM_001294332.2); c.1092C>G, p.Val364= (NM_001330758.2).
Identifiers: ClinVar variation 793814 (VCV000793814.13), dbSNP rs886060515, ClinGen allele CA442691933.